The following is an entry in ClinVar:

ClinVar aggregate classification (germline): Uncertain significance (1 of 4 stars; one submission).

Submission:

GeneDx
Classification: Uncertain significance. Last evaluated: 2023-05-11. Review status: criteria provided, single submitter. Criteria: GeneDx Variant Classification Process June 2021. Collection method: clinical testing. Allele origin: germline. Affected: yes.
Comment: Not observed at significant frequency in large population cohorts (gnomAD); In silico analysis supports that this missense variant does not alter protein structure/function; Has not been previously published as pathogenic or benign to our knowledge

NM_015559.3(SETBP1):c.3932A>C (p.Glu1311Ala)

Gene: SETBP1 (SET binding protein 1; plus strand). Cytogenetic location: 18q12.3.
Variant type: single nucleotide variant.
Coding change: c.3932A>C on transcript NM_015559.3 (MANE Select); coding-DNA position 3932, A replaced by C.
Protein change: p.Glu1311Ala; replaces glutamic acid 1311 with alanine.
Molecular consequence: missense variant.
Genome position (GRCh38, 1-based): chr18:44,953,272, A>C. VCF-style: chr18-44953272-A-C. GRCh37 (hg19) VCF-style: chr18-42533237-A-C.
Other names: c.3932A>C, p.Glu1311Ala (NM_001379141.1, NM_001379142.1, NM_001410862.1); short protein forms E1311A.
Identifiers: ClinVar variation 2663249 (VCV002663249.1), dbSNP rs2511477816, ClinGen allele CA402325507.